The following is an entry in ClinVar:

ClinVar aggregate classification (germline): Likely benign (1 of 4 stars; one submission).

Allele frequency attached by ClinVar (database versions not stated): ESP Exome Variant Server 0.00040; gnomAD 0.00045; TOPMed 0.00047; ExAC 0.00116.
gnomAD v4.1: 657 of 1,582,170 alleles (0.042%); highest among the groups gnomAD compares: Non-Finnish European, 0.0092%; 2 homozygotes.

Submission:

CeGaT Center for Human Genetics Tuebingen
Classification: Likely benign. Last evaluated: 2023-04-01. Review status: criteria provided, single submitter. Criteria: CeGaT Center For Human Genetics Tuebingen Variant Classification Criteria Version 2. Collection method: clinical testing. Allele origin: germline. Affected: yes. Observed: 1 variant allele.
Comment: TOR4A: BP4, BP7

NM_017723.3(TOR4A):c.1059G>A (p.Pro353=)

Gene: TOR4A (torsin family 4 member A; plus strand). Cytogenetic location: 9q34.3.
Variant type: single nucleotide variant.
Coding change: c.1059G>A on transcript NM_017723.3 (MANE Select); coding-DNA position 1059, G replaced by A.
Protein change: p.Pro353=; no amino-acid change (proline 353 retained).
Molecular consequence: synonymous variant.
Genome position (GRCh38, 1-based): chr9:137,279,748, G>A. VCF-style: chr9-137279748-G-A. GRCh37 (hg19) VCF-style: chr9-140174200-G-A.
Identifiers: ClinVar variation 2659819 (VCV002659819.24), dbSNP rs377037019, ClinGen allele CA5367462.
Genomic context (GRCh38, chr9:137,279,748, plus strand): 5'-GGCGCAGGCGGAAGAAGACCTGCGCGCCAGCCTGCTGGCTGTGCTGTCCCGGGAGCATCC[G>A]CTGTGGCAGGCCGCGGCCATCGTGCCGTTTCTGCTGCTGGACAAGCGGGATGTGGTCAGC-3'
Protein context (NP_060193.2, residues 343-363): SLLAVLSREH[Pro353=]LWQAAAIVPF